The following is an entry in ClinVar:

NM_002439.5(MSH3):c.833A>G (p.His278Arg)

Gene: MSH3 (mutS homolog 3; plus strand). Cytogenetic location: 5q14.1.
Variant type: single nucleotide variant.
Coding change: c.833A>G on transcript NM_002439.5 (MANE Select); coding-DNA position 833, A replaced by G.
Protein change: p.His278Arg; replaces histidine 278 with arginine.
Molecular consequence: missense variant.
Genome position (GRCh38, 1-based): chr5:80,672,284, A>G. VCF-style: chr5-80672284-A-G. GRCh37 (hg19) VCF-style: chr5-79968103-A-G.
Other names: short protein forms H278R.
Identifiers: ClinVar variation 3913664 (VCV003913664.1).

ClinVar aggregate classification (germline): Uncertain significance (1 of 4 stars; one submission).

Conditions:
Hereditary cancer-predisposing syndrome. Also called: Hereditary Cancer Syndrome; Hereditary neoplastic syndrome; Neoplastic Syndromes, Hereditary; Tumor predisposition. Identifiers: Orphanet 140162, MedGen C0027672, MeSH D009386, MONDO:0015356.

Submission:

Ambry Genetics
Classification: Uncertain significance for Hereditary cancer-predisposing syndrome. Last evaluated: 2025-06-08. Review status: criteria provided, single submitter. Criteria: Ambry Variant Classification Scheme 2023. Collection method: clinical testing. Allele origin: germline.
Comment: The p.H278R variant (also known as c.833A>G), located in coding exon 5 of the MSH3 gene, results from an A to G substitution at nucleotide position 833. The histidine at codon 278 is replaced by arginine, an amino acid with highly similar properties. This amino acid position is conserved. In addition, the in silico prediction for this alteration is inconclusive. Based on the available evidence, the clinical significance of this variant remains unclear.